The following is an entry in ClinVar:

NM_001144888.2(BAIAP2):c.490-1717A>G

Gene: BAIAP2 (BAR/IMD domain containing adaptor protein 2; plus strand). Cytogenetic location: 17q25.3.
Variant type: single nucleotide variant.
Coding change: c.490-1717A>G on transcript NM_001144888.2 (MANE Select); 1717 bases into the intron before coding-DNA position 490, A replaced by G.
Molecular consequence: intron variant.
Genome position (GRCh38, 1-based): chr17:81,098,211, A>G. VCF-style: chr17-81098211-A-G. GRCh37 (hg19) VCF-style: chr17-79072011-A-G.
Other names: c.589-1717A>G (NM_001385129.1, NM_001385135.1, NM_001385136.1 and 4 more transcripts); c.490-1717A>G (NM_006340.3, NM_017451.3, NM_001385127.1 and 9 more transcripts); c.316-1717A>G (NM_001385148.1, NM_001385147.1, NM_001385149.1); c.565-1717A>G (NM_001385137.1); c.484-1717A>G (NM_001385144.1); c.256-1717A>G (NM_001385151.1, NM_001385154.1, NM_001385155.1 and 4 more transcripts); c.-240-1717A>G (NM_001385158.1); c.-241+515A>G (NM_001385157.1, NM_001385159.1).
Identifiers: ClinVar variation 2507408 (VCV002507408.1), dbSNP rs72634327, ClinGen allele CA8826791.

ClinVar aggregate classification (germline): Uncertain significance (1 of 4 stars; one submission).

Conditions:
Attention deficit hyperactivity disorder (ADHD). Also called: Attention-Deficit/Hyperactivity Disorder. Identifiers: MedGen C1263846, MONDO:0007743, HP:0007018.

Allele frequency attached by ClinVar (database versions not stated): 1000 Genomes Project 0.25359; gnomAD 0.21300; gnomAD exomes 0.25008; TOPMed 0.21599; 1000 Genomes Project 30x 0.24578; ExAC 0.32181.
gnomAD v4.1: 334,391 of 1,357,926 alleles (25%); highest among the groups gnomAD compares: East Asian, 43%; 42,434 homozygotes.

Submission:

Clinical Genomics, Uppaluri K&H Personalized Medicine Clinic
Classification: Uncertain significance for Attention deficit hyperactivity disorder. Review status: criteria provided, single submitter. Criteria: K &amp; H Uppaluri Personalized Medicine Clinic Variant Classification &amp; Assertion Criteria_Updated V.1. Collection method: clinical testing. Allele origin: germline. Affected: yes. Observed: 1 homozygote.
Comment: Gene Variants in BAIAP2 have been studied in several populations and are known to cause ADHD. Potent variants of this gene prevent neuronal growth, maturation and survival, essential for proper functioning of frontal cortical and subcortical circuits. However, more clinical evidence is required to confer the association of this particular variant rs72634327 with Attention-deficit hyperactivity disorder.

Literature cited by the submitters: PubMed 24377651; PubMed 19733838; PubMed 27217152.